The following is an entry in ClinVar:

ClinVar aggregate classification (germline): Uncertain significance (1 of 4 stars; one submission).

Conditions:
Early-infantile DEE. Also called: Early infantile epileptic encephalopathy; Early infantile epileptic encephalopathy with suppression bursts; Ohtahara syndrome. Identifiers: Orphanet 1934, MedGen C0393706, MONDO:0800491.

Allele frequency attached by ClinVar (database versions not stated): gnomAD exomes below 0.00001.
gnomAD v4.1: 1 of 1,588,954 alleles (0.000063%); highest among the groups gnomAD compares: South Asian, 0.0012%; no homozygotes.

Submission:

Labcorp Genetics (formerly Invitae), Labcorp
Classification: Uncertain significance for Early-infantile DEE. Last evaluated: 2022-11-01. Review status: criteria provided, single submitter. Criteria: Invitae Variant Classification Sherloc (09022015). Collection method: clinical testing. Allele origin: germline.
Comment: This sequence change replaces lysine, which is basic and polar, with asparagine, which is neutral and polar, at codon 527 of the SCN8A protein (p.Lys527Asn). In summary, the available evidence is currently insufficient to determine the role of this variant in disease. Therefore, it has been classified as a Variant of Uncertain Significance. Advanced modeling of protein sequence and biophysical properties (such as structural, functional, and spatial information, amino acid conservation, physicochemical variation, residue mobility, and thermodynamic stability) performed at Invitae indicates that this missense variant is not expected to disrupt SCN8A protein function. This variant has not been reported in the literature in individuals affected with SCN8A-related conditions. This variant is not present in population databases (gnomAD no frequency).

NM_001330260.2(SCN8A):c.1581G>T (p.Lys527Asn)

Gene: SCN8A (sodium voltage-gated channel alpha subunit 8; plus strand). Cytogenetic location: 12q13.13.
Variant type: single nucleotide variant.
Coding change: c.1581G>T on transcript NM_001330260.2 (MANE Select); coding-DNA position 1581, G replaced by T.
Protein change: p.Lys527Asn; replaces lysine 527 with asparagine.
Molecular consequence: missense variant.
Genome position (GRCh38, 1-based): chr12:51,706,661, G>T. VCF-style: chr12-51706661-G-T. GRCh37 (hg19) VCF-style: chr12-52100445-G-T.
Other names: c.1581G>T, p.Lys527Asn (NM_001177984.3, NM_001369788.1, NM_014191.4); short protein forms K527N.
Identifiers: ClinVar variation 2095203 (VCV002095203.4), dbSNP rs2540186401, ClinGen allele CA385229127.